The following is an entry in ClinVar:

NM_000051.4(ATM):c.5918+8A>T

Genes: ATM (ATM serine/threonine kinase; plus strand), C11orf65 (chromosome 11 open reading frame 65; minus strand). Cytogenetic location: 11q22.3.
Variant type: single nucleotide variant.
Coding change: c.5918+8A>T on transcript NM_000051.4 (MANE Select); 8 bases into the intron after coding-DNA position 5918, A replaced by T.
Molecular consequence: intron variant.
Genome position (GRCh38, 1-based): chr11:108,310,323, A>T. VCF-style: chr11-108310323-A-T. GRCh37 (hg19) VCF-style: chr11-108181050-A-T.
Other names: c.5918+8A>T (NM_001351834.2); c.641-1252T>A (NM_001330368.2); c.*39-1252T>A (NM_001351110.2).
Identifiers: ClinVar variation 2902280 (VCV002902280.4), dbSNP rs1401825950, ClinGen allele CA601723868.
Genomic context (GRCh38, chr11:108,310,323, plus strand): 5'-CTCTATGCAGAAATCTATGCAGATAAGAAAAGTATGGATGATCAAGAGAAAAGGTAATGG[A>T]ATTTAGAATTTTTGGTTTTTAAAATTAATGTTGGCATTGTCTCAATAAGGGTATATAGTA-3'

ClinVar aggregate classification (germline): Likely benign. Review status: criteria provided, multiple submitters, no conflicts (2 of 4 stars). 2 submissions from 2 submitters: Likely benign (2). Last evaluated 2024-06-02.

Conditions:
Ataxia-telangiectasia syndrome (AT). Also called: ATAXIA-TELANGIECTASIA, COMPLEMENTATION GROUP A; ATAXIA-TELANGIECTASIA, FRESNO VARIANT; Ataxia-telangiectasia; Ataxia-telangiectasia, complementation group E; LOUIS-BAR SYNDROME; Cerebello-oculocutaneous telangiectasia. Identifiers: Orphanet 100, MedGen C0004135, MONDO:0008840, OMIM 208900.
Familial cancer of breast. Also called: BREAST CANCER, FAMILIAL; Hereditary breast cancer; hereditary breast carcinoma. Identifiers: Orphanet 227535, MedGen C0346153, MONDO:0016419, OMIM 114480. Disease mechanism: loss of function.

gnomAD v4.1: 1 of 1,611,458 alleles (0.000062%); highest among the groups gnomAD compares: East Asian, 0.0022%; no homozygotes.

Submissions (2):

Labcorp Genetics (formerly Invitae), Labcorp
Classification: Likely benign for Ataxia-telangiectasia syndrome. Last evaluated: 2024-06-02. Review status: criteria provided, single submitter. Criteria: Invitae Variant Classification Sherloc (09022015). Collection method: clinical testing. Allele origin: germline.

Myriad Genetics, Inc.
Classification: Likely benign for Familial cancer of breast. Last evaluated: 2024-05-28. Review status: criteria provided, single submitter. Criteria: Myriad Autosomal Dominant, Autosomal Recessive and X-Linked Classification Criteria (2023). Collection method: clinical testing. Allele origin: unknown.
Comment: This variant is considered likely benign. This variant is intronic and is not expected to impact mRNA splicing.